The following is an entry in ClinVar:

NM_000059.4(BRCA2):c.2540G>A (p.Arg847Lys)

Gene: BRCA2 (BRCA2 DNA repair associated; plus strand). Cytogenetic location: 13q13.1.
Variant type: single nucleotide variant.
Coding change: c.2540G>A on transcript NM_000059.4 (MANE Select); coding-DNA position 2540, G replaced by A.
Protein change: p.Arg847Lys; replaces arginine 847 with lysine.
Molecular consequence: missense variant.
Genome position (GRCh38, 1-based): chr13:32,336,895, G>A. VCF-style: chr13-32336895-G-A. GRCh37 (hg19) VCF-style: chr13-32911032-G-A.
Other names: short protein forms R847K.
Identifiers: ClinVar variation 409538 (VCV000409538.11), dbSNP rs1060502457, ClinGen allele CA16613862.

ClinVar aggregate classification (germline): Conflicting classifications of pathogenicity. Review status: criteria provided, conflicting classifications (1 of 4 stars). 3 submissions from 3 submitters: Uncertain significance (1); Likely benign (2). Last evaluated 2025-06-26.

Conditions:
Hereditary cancer-predisposing syndrome. Also called: Tumor predisposition; Hereditary Cancer Syndrome; Hereditary neoplastic syndrome; Neoplastic Syndromes, Hereditary. Identifiers: Orphanet 140162, MedGen C0027672, MeSH D009386, MONDO:0015356.
Hereditary breast ovarian cancer syndrome. Also called: Hereditary breast and ovarian cancer; Hereditary breast and/or ovarian cancer syndrome; BRCA1- and BRCA2-Associated Hereditary Breast and Ovarian Cancer; Hereditary breast and ovarian cancer syndrome; Hereditary breast and ovarian cancer syndrome (HBOC); Breast and ovarian cancer. Identifiers: Orphanet 145, MedGen C0677776, MeSH D061325, MONDO:0003582. Disease mechanism: loss of function.

Submissions (3):

Ambry Genetics
Classification: Likely benign for Hereditary cancer-predisposing syndrome. Last evaluated: 2025-06-26. Review status: criteria provided, single submitter. Criteria: Ambry Variant Classification Scheme 2023. Collection method: clinical testing. Allele origin: germline.

University of Washington Department of Laboratory Medicine, University of Washington
Classification: Likely benign for Hereditary cancer-predisposing syndrome. Last evaluated: 2023-03-23. Review status: criteria provided, single submitter. Criteria: Dines et al. (Genet Med. 2020). Collection method: curation. Allele origin: germline.
Comment: Missense variant in a coldspot region where missense variants are very unlikely to be pathogenic (PMID:31911673).

BRCA2 exon 11 coldspot. Reclassification based on statistical prior probability.

Labcorp Genetics (formerly Invitae), Labcorp
Classification: Uncertain significance for Hereditary breast ovarian cancer syndrome. Last evaluated: 2016-05-26. Review status: criteria provided, single submitter. Criteria: Invitae Variant Classification Sherloc (09022015). Collection method: clinical testing. Allele origin: germline.
Comment: This sequence change replaces arginine with lysine at codon 847 of the BRCA2 protein (p.Arg847Lys). The arginine residue is weakly conserved and there is a small physicochemical difference between arginine and lysine. This variant is not present in population databases (ExAC no frequency) and has not been reported in the literature in individuals with a BRCA2-related disease. In summary, this variant is a novel missense change that is not predicted to affect protein function. There is no indication that it causes disease, but the available evidence is currently insufficient to prove that conclusively. Therefore, it has been classified as a Variant of Uncertain Significance. Algorithms developed to predict the effect of missense changes on protein structure and function (SIFT, PolyPhen-2, Align-GVGD) all suggest that this variant is likely to be tolerated, but these predictions have not been confirmed by published functional studies.